The following is an entry in ClinVar:

ClinVar aggregate classification (germline): Uncertain significance. Review status: criteria provided, multiple submitters, no conflicts (2 of 4 stars). 3 submissions from 3 submitters: Uncertain significance (3). Last evaluated 2025-11-24.

Conditions:
TNFRSF11A-related disorder. Also called: TNFRSF11A-related condition.
Inborn genetic diseases. Identifiers: MedGen C0950123, MeSH D030342.

Allele frequency attached by ClinVar (database versions not stated): gnomAD 0.00002; gnomAD exomes 0.00003; TOPMed 0.00005.
gnomAD v4.1: 43 of 1,614,126 alleles (0.0027%); highest among the groups gnomAD compares: Admixed American, 0.012%; no homozygotes.

Submissions (3):

Ambry Genetics
Classification: Uncertain significance for Inborn genetic diseases. Last evaluated: 2025-11-24. Review status: criteria provided, single submitter. Criteria: Ambry Variant Classification Scheme 2023. Collection method: clinical testing. Allele origin: germline.

Labcorp Genetics (formerly Invitae), Labcorp
Classification: Uncertain significance. Last evaluated: 2025-11-22. Review status: criteria provided, single submitter. Criteria: Invitae Variant Classification Sherloc (09022015). Collection method: clinical testing. Allele origin: germline.
Comment: This sequence change replaces threonine, which is neutral and polar, with alanine, which is neutral and non-polar, at codon 294 of the TNFRSF11A protein (p.Thr294Ala). This variant is present in population databases (rs747314306, gnomAD 0.004%). This variant has not been reported in the literature in individuals affected with TNFRSF11A-related conditions. ClinVar contains an entry for this variant (Variation ID: 2071939). An algorithm developed to predict the effect of missense changes on protein structure and function (PolyPhen-2) suggests that this variant is likely to be tolerated. In summary, the available evidence is currently insufficient to determine the role of this variant in disease. Therefore, it has been classified as a Variant of Uncertain Significance.

PreventionGenetics, part of Exact Sciences
Classification: Uncertain significance for TNFRSF11A-related condition. Last evaluated: 2025-09-24. Review status: criteria provided, single submitter. Criteria: ACMG Guidelines, 2015. Collection method: clinical testing. Allele origin: germline.
Comment: The TNFRSF11A c.880A>G variant is predicted to result in the amino acid substitution p.Thr294Ala. To our knowledge, this variant has not been reported in the literature. This variant is reported in 0.0040% of alleles in individuals of African descent in gnomAD. At this time, the clinical significance of this variant is uncertain due to the absence of conclusive functional and genetic evidence.

NM_003839.4(TNFRSF11A):c.880A>G (p.Thr294Ala)

Gene: TNFRSF11A (TNF receptor superfamily member 11a; plus strand). Cytogenetic location: 18q21.33.
Variant type: single nucleotide variant.
Coding change: c.880A>G on transcript NM_003839.4 (MANE Select); coding-DNA position 880, A replaced by G.
Protein change: p.Thr294Ala; replaces threonine 294 with alanine.
Molecular consequence: missense variant. On other transcripts: intron variant (3).
Genome position (GRCh38, 1-based): chr18:62,368,797, A>G. VCF-style: chr18-62368797-A-G. GRCh37 (hg19) VCF-style: chr18-60036030-A-G.
Other names: c.880A>G (NM_003839.3); c.838A>G, p.Thr280Ala (NM_001278268.2); c.783+2037A>G (NM_001270949.2); c.730+7004A>G (NM_001270950.2); c.616+8748A>G (NM_001270951.2); short protein forms T280A, T294A.
Identifiers: ClinVar variation 2071939 (VCV002071939.6), dbSNP rs747314306, ClinGen allele CA301703967.